The following is an entry in ClinVar:

NM_001037333.3(CYFIP2):c.1230+4G>A

Gene: CYFIP2 (cytoplasmic FMR1 interacting protein 2; plus strand). Cytogenetic location: 5q33.3.
Variant type: single nucleotide variant.
Coding change: c.1230+4G>A on transcript NM_001037333.3 (MANE Select); 4 bases into the intron after coding-DNA position 1230, G replaced by A.
Molecular consequence: intron variant.
Genome position (GRCh38, 1-based): chr5:157,314,467, G>A. VCF-style: chr5-157314467-G-A. GRCh37 (hg19) VCF-style: chr5-156741475-G-A.
Other names: c.1230+4G>A (NM_001291722.2, NM_014376.4); c.1152+4G>A (NM_001291721.2).
Identifiers: ClinVar variation 2763450 (VCV002763450.3), dbSNP rs1448547945, ClinGen allele CA563679575.

ClinVar aggregate classification (germline): Uncertain significance (1 of 4 stars; one submission).

Allele frequency attached by ClinVar (database versions not stated): gnomAD exomes below 0.00001; TOPMed below 0.00001.
gnomAD v4.1: 4 of 1,613,138 alleles (0.00025%); highest among the groups gnomAD compares: Non-Finnish European, 0.00034%; no homozygotes.

Submission:

Labcorp Genetics (formerly Invitae), Labcorp
Classification: Uncertain significance. Last evaluated: 2025-01-19. Review status: criteria provided, single submitter. Criteria: Invitae Variant Classification Sherloc (09022015). Collection method: clinical testing. Allele origin: germline.
Comment: This sequence change falls in intron 12 of the CYFIP2 gene. It does not directly change the encoded amino acid sequence of the CYFIP2 protein. It affects a nucleotide within the consensus splice site. This variant is not present in population databases (gnomAD no frequency). This variant has not been reported in the literature in individuals affected with CYFIP2-related conditions. ClinVar contains an entry for this variant (Variation ID: 2763450). Variants that disrupt the consensus splice site are a relatively common cause of aberrant splicing (PMID: 17576681, 9536098). Algorithms developed to predict the effect of sequence changes on RNA splicing suggest that this variant is not likely to affect RNA splicing. In summary, the available evidence is currently insufficient to determine the role of this variant in disease. Therefore, it has been classified as a Variant of Uncertain Significance.

Literature cited by the submitters: PubMed 17576681; PubMed 9536098.